The following is an entry in ClinVar:

ClinVar aggregate classification (germline): Likely pathogenic (1 of 4 stars; one submission).

Conditions:
Primary ciliary dyskinesia 3. Identifiers: Orphanet 244, MedGen C1837618, MONDO:0012085, OMIM 608644.

Submission:

Myriad Genetics, Inc.
Classification: Likely pathogenic for Primary ciliary dyskinesia 3. Last evaluated: 2022-04-04. Review status: criteria provided, single submitter. Criteria: Myriad Women's Health Autosomal Recessive and X-Linked Classification Criteria (2021). Collection method: clinical testing. Allele origin: unknown.
Comment: NM_001369.2(DNAH5):c.2720_2721delTT(V907Efs*5) is expected to be pathogenic in the context of DNAH5-related primary ciliary dyskinesia. This variant is predicted to lead to an abnormal or absent protein product due to the creation of a premature termination codon in DNAH5, a gene where loss-of-function variants are known to be pathogenic. Please note: this variant was assessed in the context of healthy population screening.

NM_001369.3(DNAH5):c.2720_2721del (p.Val907fs)

Genes: DNAH5-AS1 (DNAH5 antisense RNA 1; plus strand), DNAH5 (dynein axonemal heavy chain 5; minus strand). Cytogenetic location: 5p15.2.
Variant type: Deletion.
Coding change: c.2720_2721del on transcript NM_001369.3 (MANE Select); coding-DNA positions 2720 to 2721, 2 bases deleted (TT; older notation c.2720_2721delTT).
Protein change: p.Val907fs; shifts the reading frame from valine 907.
Molecular consequence: frameshift variant.
Genome position (GRCh38, 1-based): chr5:13,885,986-13,885,987, AA deleted on the plus strand (TT on the coding strand, the reverse complement: DNAH5 is on the minus strand). VCF-style (leftmost placement, unchanged base first): chr5-13885985-TAA-T. GRCh37 (hg19) VCF-style: chr5-13886094-TAA-T.
Other names: short protein forms V907fs.
Identifiers: ClinVar variation 1725862 (VCV001725862.2), dbSNP rs2547042277, ClinGen allele CA2580072162.
Genomic context (GRCh38, chr5:13,885,985, plus strand): 5'-CATAGAAAAACAAGACCCTTTCATTACCCCATCTCTTACCTGAACTTTCATTTTTGTAAT[TAA>T]CACTATTCTCATTGGATATTTTTTCACTTTCTTCTTCAGATAAAACTTCCACATCCAGCA-3'